The following is an entry in ClinVar:

ClinVar aggregate classification (germline): Pathogenic. Review status: criteria provided, multiple submitters, no conflicts (2 of 4 stars). 2 submissions from 2 submitters: Pathogenic (2). Last evaluated 2025-07-09.

Conditions:
Hereditary cancer-predisposing syndrome. Also called: Neoplastic Syndromes, Hereditary; Tumor predisposition; Hereditary Cancer Syndrome; Hereditary neoplastic syndrome. Identifiers: Orphanet 140162, MedGen C0027672, MeSH D009386, MONDO:0015356.

Submissions (2):

Color Diagnostics, LLC DBA Color Health
Classification: Pathogenic for Hereditary cancer-predisposing syndrome. Last evaluated: 2025-07-09. Review status: criteria provided, single submitter. Criteria: ACMG Guidelines, 2015. Collection method: clinical testing. Allele origin: germline.
Comment: This variant deletes 1 nucleotide in exon 3 of the PMS2 gene, creating a frameshift and premature translation stop signal. This variant is expected to result in an absent or non-functional protein product. To our knowledge, this variant has not been reported in individuals affected with PMS2-related disorders in the literature. This variant has not been identified in the general population by the Genome Aggregation Database (gnomAD). Loss of PMS2 function is a known mechanism of disease. Based on the available evidence, this variant is classified as Pathogenic.

Ambry Genetics
Classification: Pathogenic for Hereditary cancer-predisposing syndrome. Last evaluated: 2017-07-05. Review status: criteria provided, single submitter. Criteria: Ambry Variant Classification Scheme 2023. Collection method: clinical testing. Allele origin: germline.
Comment: The c.240delC pathogenic mutation, located in coding exon 3 of the PMS2 gene, results from a deletion of one nucleotide at nucleotide position 240, causing a translational frameshift with a predicted alternate stop codon (p.F80Lfs*4). This alteration is expected to result in loss of function by premature protein truncation or nonsense-mediated mRNA decay. As such, this alteration is interpreted as a disease-causing mutation.

NM_000535.7(PMS2):c.240del (p.Phe80fs)

Gene: PMS2 (PMS1 homolog 2, mismatch repair system component; minus strand). Cytogenetic location: 7p22.1.
Variant type: Deletion.
Coding change: c.240del on transcript NM_000535.7 (MANE Select); coding-DNA position 240, one base deleted (C; older notation c.240delC).
Protein change: p.Phe80fs; shifts the reading frame from phenylalanine 80.
Molecular consequence: frameshift variant. On other transcripts: 5 prime UTR variant (9), non-coding transcript variant (1).
Genome position (GRCh38, 1-based): chr7:6,003,982, G deleted on the plus strand (C on the coding strand, the reverse complement: PMS2 is on the minus strand). VCF-style (leftmost placement, unchanged base first): chr7-6003981-CG-C. GRCh37 (hg19) VCF-style: chr7-6043612-CG-C.
Other names: c.-166del (NM_001322003.2, NM_001322004.2, NM_001322005.2 and 3 more transcripts); c.240del, p.Phe80fs (NM_001322006.2, NM_001322014.2); c.25del, p.Arg9fs (NM_001322007.2, NM_001322008.2); c.-645del (NM_001322011.2, NM_001322012.2); c.-245del (NM_001322015.2); short protein forms R9fs, F80fs.
Identifiers: ClinVar variation 484324 (VCV000484324.6), dbSNP rs1554304957, ClinGen allele CA658657656.